The following is an entry in ClinVar:

ClinVar aggregate classification (germline): Uncertain significance (1 of 4 stars; one submission).

Submission:

Labcorp Genetics (formerly Invitae), Labcorp
Classification: Uncertain significance. Last evaluated: 2024-12-19. Review status: criteria provided, single submitter. Criteria: Invitae Variant Classification Sherloc (09022015). Collection method: clinical testing. Allele origin: germline.
Comment: This sequence change replaces aspartic acid, which is acidic and polar, with asparagine, which is neutral and polar, at codon 288 of the RGR protein (p.Asp288Asn). This variant is not present in population databases (gnomAD no frequency). This variant has not been reported in the literature in individuals affected with RGR-related conditions. An algorithm developed to predict the effect of missense changes on protein structure and function outputs the following: PolyPhen-2: "Not Available". The asparagine amino acid residue is found in multiple mammalian species, which suggests that this missense change does not adversely affect protein function. In summary, the available evidence is currently insufficient to determine the role of this variant in disease. Therefore, it has been classified as a Variant of Uncertain Significance.

NM_001012720.2(RGR):c.862G>A (p.Asp288Asn)

Gene: RGR (retinal G protein coupled receptor; plus strand). Cytogenetic location: 10q23.1.
Variant type: single nucleotide variant.
Coding change: c.862G>A on transcript NM_001012720.2 (MANE Select); coding-DNA position 862, G replaced by A.
Protein change: p.Asp288Asn; replaces aspartic acid 288 with asparagine.
Molecular consequence: missense variant.
Genome position (GRCh38, 1-based): chr10:84,258,625, G>A. VCF-style: chr10-84258625-G-A. GRCh37 (hg19) VCF-style: chr10-86018381-G-A.
Other names: c.748G>A, p.Asp250Asn (NM_001012722.2); c.874G>A, p.Asp292Asn (NM_002921.4); short protein forms D288N, D292N, D250N.
Identifiers: ClinVar variation 3691938 (VCV003691938.2).